The following is an entry in ClinVar:

NM_000057.4(BLM):c.2407T>A (p.Trp803Arg)

Gene: BLM (BLM RecQ like helicase; plus strand). Cytogenetic location: 15q26.1.
Variant type: single nucleotide variant.
Coding change: c.2407T>A on transcript NM_000057.4 (MANE Select); coding-DNA position 2407, T replaced by A.
Protein change: p.Trp803Arg; replaces tryptophan 803 with arginine.
Molecular consequence: missense variant.
Genome position (GRCh38, 1-based): chr15:90,769,438, T>A. VCF-style: chr15-90769438-T-A. GRCh37 (hg19) VCF-style: chr15-91312668-T-A.
Other names: c.2407T>A, p.Trp803Arg (NM_001287246.2, NM_001287247.2); c.1282T>A, p.Trp428Arg (NM_001287248.2); short protein forms W428R, W803R.
Identifiers: ClinVar variation 1485858 (VCV001485858.8), dbSNP rs148394770, ClinGen allele CA393845247.

ClinVar aggregate classification (germline): Uncertain significance (1 of 4 stars; one submission).

Conditions:
Bloom syndrome (BLM). Also called: Bloom-Torre-Machacek syndrome. Identifiers: Orphanet 125, MedGen C0005859, MONDO:0008876, OMIM 210900.

Submission:

Labcorp Genetics (formerly Invitae), Labcorp
Classification: Uncertain significance for Bloom syndrome. Last evaluated: 2021-04-24. Review status: criteria provided, single submitter. Criteria: Invitae Variant Classification Sherloc (09022015). Collection method: clinical testing. Allele origin: germline.
Comment: In summary, the available evidence is currently insufficient to determine the role of this variant in disease. Therefore, it has been classified as a Variant of Uncertain Significance. Experimental studies have shown that this variant affects BLM protein function (PMID: 23129629). This variant has not been reported in the literature in individuals with BLM-related conditions. This variant is not present in population databases (ExAC no frequency). This sequence change replaces tryptophan with arginine at codon 803 of the BLM protein (p.Trp803Arg). The tryptophan residue is highly conserved and there is a moderate physicochemical difference between tryptophan and arginine.

Literature cited by the submitters: PubMed 23129629.